The following is an entry in ClinVar:

ClinVar aggregate classification (germline): Uncertain significance (1 of 4 stars; one submission).

Conditions:
Holoprosencephaly 11 (HPE11). Identifiers: Orphanet 2162, MedGen C3280215, MONDO:0013642, OMIM 614226.

Submission:

Labcorp Genetics (formerly Invitae), Labcorp
Classification: Uncertain significance for Holoprosencephaly 11. Last evaluated: 2025-10-27. Review status: criteria provided, single submitter. Criteria: Invitae Variant Classification Sherloc (09022015). Collection method: clinical testing. Allele origin: germline.
Comment: This sequence change replaces glutamine, which is neutral and polar, with histidine, which is basic and polar, at codon 665 of the CDON protein (p.Gln665His). The frequency data for this variant in the population databases is considered unreliable, as metrics indicate poor data quality at this position in the gnomAD database. This variant has not been reported in the literature in individuals affected with CDON-related conditions. Invitae Evidence Modeling of protein sequence and biophysical properties (such as structural, functional, and spatial information, amino acid conservation, physicochemical variation, residue mobility, and thermodynamic stability) indicates that this missense variant is not expected to disrupt CDON protein function with a negative predictive value of 80%. In summary, the available evidence is currently insufficient to determine the role of this variant in disease. Therefore, it has been classified as a Variant of Uncertain Significance.

NM_001378964.1(CDON):c.1995A>C (p.Gln665His)

Gene: CDON (cell adhesion associated, oncogene regulated; minus strand). Cytogenetic location: 11q24.2.
Variant type: single nucleotide variant.
Coding change: c.1995A>C on transcript NM_001378964.1 (MANE Select); coding-DNA position 1995, A replaced by C.
Protein change: p.Gln665His; replaces glutamine 665 with histidine.
Molecular consequence: missense variant.
Genome position (GRCh38, 1-based): chr11:126,003,933, T>G on the plus strand (A>C on the coding strand, the complement: CDON is on the minus strand). VCF-style: chr11-126003933-T-G. GRCh37 (hg19) VCF-style: chr11-125873828-T-G.
Other names: c.1995A>C, p.Gln665His (NM_001243597.3, NM_001441161.1, NM_001441162.1 and 5 more transcripts); short protein forms Q665H.
Identifiers: ClinVar variation 4738697 (VCV004738697.1).